The following is an entry in ClinVar:

NM_198060.4(NRAP):c.4433G>A (p.Arg1478His)

Gene: NRAP (nebulin related anchoring protein; minus strand). Cytogenetic location: 10q25.3.
Variant type: single nucleotide variant.
Coding change: c.4433G>A on transcript NM_198060.4 (MANE Select); coding-DNA position 4433, G replaced by A.
Protein change: p.Arg1478His; replaces arginine 1478 with histidine.
Molecular consequence: missense variant.
Genome position (GRCh38, 1-based): chr10:113,595,726, C>T on the plus strand (G>A on the coding strand, the complement: NRAP is on the minus strand). VCF-style: chr10-113595726-C-T. GRCh37 (hg19) VCF-style: chr10-115355485-C-T.
Other names: c.4433G>A, p.Arg1478His (NM_001261463.2); c.4325G>A, p.Arg1442His (NM_001322945.2); c.4328G>A, p.Arg1443His (NM_006175.5); short protein forms R1442H, R1443H, R1478H.
Identifiers: ClinVar variation 2672417 (VCV002672417.23), dbSNP rs181024055, ClinGen allele CA5694419.

ClinVar aggregate classification (germline): Likely benign (1 of 4 stars; one submission).

Allele frequency attached by ClinVar (database versions not stated): gnomAD 0.00036; 1000 Genomes Project 30x 0.00078; 1000 Genomes Project 0.00080; ESP Exome Variant Server 0.00015; ExAC 0.00034.
gnomAD v4.1: 289 of 1,595,180 alleles (0.018%); highest among the groups gnomAD compares: Middle Eastern, 0.28%; 2 homozygotes.

Submission:

CeGaT Center for Human Genetics Tuebingen
Classification: Likely benign. Last evaluated: 2023-11-01. Review status: criteria provided, single submitter. Criteria: CeGaT Center For Human Genetics Tuebingen Variant Classification Criteria Version 2. Collection method: clinical testing. Allele origin: germline. Affected: yes. Observed: 1 variant allele.
Comment: NRAP: BP4